The following is an entry in ClinVar:

NM_017671.5(FERMT1):c.2019C>T (p.Thr673=)

Gene: FERMT1 (FERM domain containing kindlin 1; minus strand). Cytogenetic location: 20p12.3.
Variant type: single nucleotide variant.
Coding change: c.2019C>T on transcript NM_017671.5 (MANE Select); coding-DNA position 2019, C replaced by T.
Protein change: p.Thr673=; no amino-acid change (threonine 673 retained).
Molecular consequence: synonymous variant.
Genome position (GRCh38, 1-based): chr20:6,077,188, G>A on the plus strand (C>T on the coding strand, the complement: FERMT1 is on the minus strand). VCF-style: chr20-6077188-G-A. GRCh37 (hg19) VCF-style: chr20-6057835-G-A.
Identifiers: ClinVar variation 708642 (VCV000708642.10), dbSNP rs368745513, ClinGen allele CA9757983.

ClinVar aggregate classification (germline): Likely benign. Review status: criteria provided, single submitter (1 of 4 stars). 2 submissions from 2 submitters: Likely benign (1). 1 of the submissions does not count toward it. Last evaluated 2026-01-13.

Conditions:
FERMT1-related disorder. Also called: FERMT1-related condition.

Allele frequency attached by ClinVar (database versions not stated): ESP Exome Variant Server 0.00015; TOPMed 0.00019; gnomAD 0.00020 and 0.00021.
gnomAD v4.1: 64 of 1,613,908 alleles (0.004%); highest among the groups gnomAD compares: African/African-American, 0.059%; no homozygotes.

Submissions (2):

Labcorp Genetics (formerly Invitae), Labcorp
Classification: Likely benign. Last evaluated: 2026-01-13. Review status: criteria provided, single submitter. Criteria: Invitae Variant Classification Sherloc (09022015). Collection method: clinical testing. Allele origin: germline.

PreventionGenetics, part of Exact Sciences
Classification: Likely benign for FERMT1-related condition. Last evaluated: 2023-12-19. Review status: no assertion criteria provided. Collection method: clinical testing. Allele origin: germline. Not counted in ClinVar's aggregate classification.
Comment: This variant is classified as likely benign based on ACMG/AMP sequence variant interpretation guidelines (Richards et al. 2015 PMID: 25741868, with internal and published modifications).